The following is an entry in ClinVar:

NM_001042492.3(NF1):c.4369_4371del (p.Lys1457del)

Gene: NF1 (neurofibromin 1; plus strand). Cytogenetic location: 17q11.2.
Variant type: Deletion.
Coding change: c.4369_4371del on transcript NM_001042492.3 (MANE Select); coding-DNA positions 4369 to 4371, 3 bases deleted (AAA; older notation c.4369_4371delAAA).
Protein change: p.Lys1457del; deletes lysine 1457.
Molecular consequence: inframe deletion. On other transcripts: inframe indel (1).
Genome position (GRCh38, 1-based): chr17:31,259,068-31,259,070, AAA deleted; deleting any 3 consecutive bases within chr17:31,259,067-31,259,070 gives the same sequence; the c. name uses the placement nearest the transcript's 3' end. VCF-style (leftmost placement, unchanged base first): chr17-31259066-CAAA-C. GRCh37 (hg19) VCF-style: chr17-29586084-CAAA-C.
Other names: c.4306_4308delAAA (NM_000267.3); c.4306_4308delAAA, p.Lys1436del (NM_000267.4); short protein forms K1436del, K1457del.
Identifiers: ClinVar variation 547644 (VCV000547644.11), dbSNP rs1555618653, ClinGen allele CA658824766.
Genomic context (GRCh38, chr17:31,259,066, plus strand): 5'-ATTTATAACCCTGTTTTATTGTGTAGATACTTCAGAGTATTGCCAATCATGTTCTCTTCA[CAAA>C]AGAAGAACATATGCGGCCTTTCAATGATTTTGTGAAAAGCAACTTTGATGCAGCACGCAG-3'

ClinVar aggregate classification (germline): Conflicting classifications of pathogenicity. Review status: criteria provided, conflicting classifications (1 of 4 stars). 4 submissions from 4 submitters: Pathogenic (1); Likely pathogenic (2); Uncertain significance (1). Last evaluated 2024-02-20.

Conditions:
Neurofibromatosis-Noonan syndrome (NFNS). Also called: NEUROFIBROMATOSIS WITH NOONAN PHENOTYPE. Identifiers: Orphanet 638, MedGen C2931482, MONDO:0011035, OMIM 601321. Disease mechanism: loss of function.
Neurofibromatosis, type 1 (NF1). Also called: NEUROFIBROMATOSIS, TYPE I, SOMATIC; VON RECKLINGHAUSEN DISEASE; Peripheral type neurofibromatosis; Neurofibromatosis, type I. Identifiers: Orphanet 636, MedGen C0027831, MONDO:0018975, OMIM 162200. Disease mechanism: loss of function.

Submissions (4):

Greenwood Genetic Center Diagnostic Laboratories, Greenwood Genetic Center
Classification: Likely pathogenic for Neurofibromatosis-Noonan syndrome. Last evaluated: 2024-02-20. Review status: criteria provided, single submitter. Criteria: ACMG Guidelines, 2015. Collection method: clinical testing. Allele origin: germline. Affected: yes.
Comment: PS4_Supporting, PM1_Supporting, PM2, PM4

Labcorp Genetics (formerly Invitae), Labcorp
Classification: Pathogenic for Neurofibromatosis, type 1. Last evaluated: 2023-07-14. Review status: criteria provided, single submitter. Criteria: Invitae Variant Classification Sherloc (09022015). Collection method: clinical testing. Allele origin: germline.
Comment: This variant, c.4306_4308del, results in the deletion of 1 amino acid(s) of the NF1 protein (p.Lys1436del), but otherwise preserves the integrity of the reading frame. This variant is not present in population databases (gnomAD no frequency). This variant has been observed in individual(s) with neurofibromatosis type 1 (Invitae). ClinVar contains an entry for this variant (Variation ID: 547644). Algorithms developed to predict the effect of sequence changes on RNA splicing suggest that this variant may create or strengthen a splice site. This variant disrupts a region of the NF1 protein in which other variant(s) (p.Lys1436Gln) have been determined to be pathogenic (PMID: 21520333, 22807134, 24789688; Invitae). This suggests that this is a clinically significant region of the protein, and that variants that disrupt it are likely to be disease-causing. For these reasons, this variant has been classified as Pathogenic.

GeneDx
Classification: Likely pathogenic. Last evaluated: 2023-07-07. Review status: criteria provided, single submitter. Criteria: GeneDx Variant Classification Process June 2021. Collection method: clinical testing. Allele origin: germline. Affected: yes.
Comment: In-frame deletion of 1 amino acid in a non-repeat region; Not observed at significant frequency in large population cohorts (gnomAD); In silico analysis supports a deleterious effect on protein structure/function; Has not been previously published as pathogenic or benign to our knowledge; This variant is associated with the following publications: (PMID: 22807134, 25486365)

Center for Human Genetics, Inc
Classification: Uncertain significance for Neurofibromatosis, type 1. Last evaluated: 2016-11-01. Review status: criteria provided, single submitter. Criteria: ACMG Guidelines, 2015. Collection method: clinical testing. Allele origin: germline. Affected: yes.

Literature cited by the submitters: PubMed 21520333 (cited by Labcorp Genetics (formerly Invitae), Labcorp); PubMed 22807134 (cited by Labcorp Genetics (formerly Invitae), Labcorp); PubMed 24789688 (cited by Labcorp Genetics (formerly Invitae), Labcorp).